The following is an entry in ClinVar:

NM_001171.6(ABCC6):c.2070+1G>C

Gene: ABCC6 (ATP binding cassette subfamily C member 6; minus strand). Cytogenetic location: 16p13.11.
Variant type: single nucleotide variant.
Coding change: c.2070+1G>C on transcript NM_001171.6 (MANE Select); the canonical splice donor site of the intron after coding-DNA position 2070, G replaced by C.
Molecular consequence: splice donor variant.
Genome position (GRCh38, 1-based): chr16:16,182,803, C>G on the plus strand (G>C on the coding strand, the complement: ABCC6 is on the minus strand). VCF-style: chr16-16182803-C-G. GRCh37 (hg19) VCF-style: chr16-16276660-C-G.
Other names: c.2070+1G>C (NM_001440310.1, NM_001440309.1); c.1728+1G>C (NM_001351800.1).
Identifiers: ClinVar variation 4713821 (VCV004713821.1).

ClinVar aggregate classification (germline): Likely pathogenic (1 of 4 stars; one submission).

Submission:

Labcorp Genetics (formerly Invitae), Labcorp
Classification: Likely pathogenic. Last evaluated: 2025-04-08. Review status: criteria provided, single submitter. Criteria: Invitae Variant Classification Sherloc (09022015). Collection method: clinical testing. Allele origin: germline.
Comment: This sequence change affects a donor splice site in intron 16 of the ABCC6 gene. It is expected to disrupt RNA splicing. Variants that disrupt the donor or acceptor splice site typically lead to a loss of protein function (PMID: 16199547), and loss-of-function variants in ABCC6 are known to be pathogenic (PMID: 11536079, 17617515). This variant is not present in population databases (gnomAD no frequency). This variant has not been reported in the literature in individuals affected with ABCC6-related conditions. Algorithms developed to predict the effect of sequence changes on RNA splicing suggest that this variant may disrupt the consensus splice site. In summary, the currently available evidence indicates that the variant is pathogenic, but additional data are needed to prove that conclusively. Therefore, this variant has been classified as Likely Pathogenic.

Literature cited by the submitters: PubMed 16199547; PubMed 11536079; PubMed 17617515.